The following is an entry in ClinVar:

ClinVar aggregate classification (germline): Likely pathogenic (1 of 4 stars; one submission).

Submission:

Institute for Clinical Genetics, University Hospital TU Dresden, University Hospital TU Dresden
Classification: Likely pathogenic. Last evaluated: 2022-11-08. Review status: criteria provided, single submitter. Criteria: ACMG Guidelines, 2015. Collection method: clinical testing. Allele origin: maternal.
Comment: PP1, PP4, PM2_SUP, PVS1_STR

NM_004608.4(TBX6):c.1112dup (p.Glu372fs)

Gene: TBX6 (T-box transcription factor 6; minus strand). Cytogenetic location: 16p11.2.
Variant type: Duplication.
Coding change: c.1112dup on transcript NM_004608.4 (MANE Select); coding-DNA position 1112, one base duplicated (C; older notation c.1112dupC).
Protein change: p.Glu372fs; shifts the reading frame from glutamic acid 372.
Molecular consequence: frameshift variant.
Genome position (GRCh38, 1-based): chr16:30,086,424, G duplicated on the plus strand (C on the coding strand, the reverse complement: TBX6 is on the minus strand); the first of 3 consecutive G bases (chr16:30,086,424-30,086,426); duplicating any one gives the same sequence. VCF-style (leftmost placement, unchanged base first): chr16-30086423-C-CG. GRCh37 (hg19) VCF-style: chr16-30097744-C-CG.
Other names: short protein forms E372fs.
Identifiers: ClinVar variation 2576015 (VCV002576015.1), dbSNP rs2543659944, ClinGen allele CA2580612727.